The following is an entry in ClinVar:

ClinVar aggregate classification (germline): Uncertain significance (1 of 4 stars; one submission).

Conditions:
DICER1-related tumor predisposition. Also called: DICER1 syndrome; DICER1-related pleuropulmonary blastoma cancer predisposition syndrome. Identifiers: Orphanet 284343, MedGen C3839822, MONDO:0100216.

Submission:

Labcorp Genetics (formerly Invitae), Labcorp
Classification: Uncertain significance for DICER1-related tumor predisposition. Last evaluated: 2022-02-24. Review status: criteria provided, single submitter. Criteria: Invitae Variant Classification Sherloc (09022015). Collection method: clinical testing. Allele origin: germline.
Comment: This sequence change replaces cysteine, which is neutral and slightly polar, with serine, which is neutral and polar, at codon 1333 of the DICER1 protein (p.Cys1333Ser). In summary, the available evidence is currently insufficient to determine the role of this variant in disease. Therefore, it has been classified as a Variant of Uncertain Significance. Algorithms developed to predict the effect of missense changes on protein structure and function are either unavailable or do not agree on the potential impact of this missense change (SIFT: "Tolerated"; PolyPhen-2: "Probably Damaging"; Align-GVGD: "Class C0"). This variant has not been reported in the literature in individuals affected with DICER1-related conditions. This variant is not present in population databases (gnomAD no frequency).

NM_177438.3(DICER1):c.3997T>A (p.Cys1333Ser)

Gene: DICER1 (dicer 1, ribonuclease III; minus strand). Cytogenetic location: 14q32.13.
Variant type: single nucleotide variant.
Coding change: c.3997T>A on transcript NM_177438.3 (MANE Select); coding-DNA position 3997, T replaced by A.
Protein change: p.Cys1333Ser; replaces cysteine 1333 with serine.
Molecular consequence: missense variant. On other transcripts: non-coding transcript variant (6).
Genome position (GRCh38, 1-based): chr14:95,103,399, A>T on the plus strand (T>A on the coding strand, the complement: DICER1 is on the minus strand). VCF-style: chr14-95103399-A-T. GRCh37 (hg19) VCF-style: chr14-95569736-A-T.
Other names: c.3997T>A, p.Cys1333Ser (NM_001395692.1, NM_001395693.1, NM_030621.4 and 13 more transcripts); c.3592T>A, p.Cys1198Ser (NM_001395696.1, NM_001395687.1, NM_001395688.1 and 2 more transcripts); c.2314T>A, p.Cys772Ser (NM_001395697.1); c.3715T>A, p.Cys1239Ser (NM_001395686.1); c.3430T>A, p.Cys1144Ser (NM_001395691.1); short protein forms C1144S, C1198S, C1239S, C1333S, C772S.
Identifiers: ClinVar variation 2102768 (VCV002102768.4), dbSNP rs2542685761, ClinGen allele CA390872995.